The following is an entry in ClinVar:

NM_002336.3(LRP6):c.4295T>C (p.Leu1432Ser)

Gene: LRP6 (LDL receptor related protein 6; minus strand). Cytogenetic location: 12p13.2.
Variant type: single nucleotide variant.
Coding change: c.4295T>C on transcript NM_002336.3 (MANE Select); coding-DNA position 4295, T replaced by C.
Protein change: p.Leu1432Ser; replaces leucine 1432 with serine.
Molecular consequence: missense variant.
Genome position (GRCh38, 1-based): chr12:12,126,708, A>G on the plus strand (T>C on the coding strand, the complement: LRP6 is on the minus strand). VCF-style: chr12-12126708-A-G. GRCh37 (hg19) VCF-style: chr12-12279642-A-G.
Other names: c.4388T>C, p.Leu1463Ser (NM_001414244.1); c.4295T>C, p.Leu1432Ser (NM_001414245.1, NM_001414248.1, NM_001414249.1 and 1 more transcripts); c.4160T>C, p.Leu1387Ser (NM_001414246.1); c.4097T>C, p.Leu1366Ser (NM_001414247.1); c.3932T>C, p.Leu1311Ser (NM_001414251.1); c.3842T>C, p.Leu1281Ser (NM_001414252.1, NM_001414253.1, NM_001414254.1); c.3788T>C, p.Leu1263Ser (NM_001414255.1); short protein forms L1311S, L1463S, L1263S, L1281S, L1366S, L1387S, L1432S.
Identifiers: ClinVar variation 2365336 (VCV002365336.6), dbSNP rs748004159, ClinGen allele CA6455003.

ClinVar aggregate classification (germline): Uncertain significance. Review status: criteria provided, multiple submitters, no conflicts (2 of 4 stars). 2 submissions from 2 submitters: Uncertain significance (2). Last evaluated 2025-10-18.

Conditions:
Inborn genetic diseases. Identifiers: MedGen C0950123, MeSH D030342.

Allele frequency attached by ClinVar (database versions not stated): ExAC 0.00002; gnomAD 0.00005; gnomAD exomes 0.00007; TOPMed 0.00007.
gnomAD v4.1: 114 of 1,613,998 alleles (0.0071%); highest among the groups gnomAD compares: Non-Finnish European, 0.009%; no homozygotes.

Submissions (2):

Ambry Genetics
Classification: Uncertain significance for Inborn genetic diseases. Last evaluated: 2025-10-18. Review status: criteria provided, single submitter. Criteria: Ambry Variant Classification Scheme 2023. Collection method: clinical testing. Allele origin: germline.

Labcorp Genetics (formerly Invitae), Labcorp
Classification: Uncertain significance. Last evaluated: 2024-06-25. Review status: criteria provided, single submitter. Criteria: Invitae Variant Classification Sherloc (09022015). Collection method: clinical testing. Allele origin: germline.
Comment: This sequence change replaces leucine, which is neutral and non-polar, with serine, which is neutral and polar, at codon 1432 of the LRP6 protein (p.Leu1432Ser). This variant is present in population databases (rs748004159, gnomAD 0.01%). This variant has not been reported in the literature in individuals affected with LRP6-related conditions. ClinVar contains an entry for this variant (Variation ID: 2365336). Advanced modeling of protein sequence and biophysical properties (such as structural, functional, and spatial information, amino acid conservation, physicochemical variation, residue mobility, and thermodynamic stability) performed at Invitae indicates that this missense variant is not expected to disrupt LRP6 protein function with a negative predictive value of 80%. In summary, the available evidence is currently insufficient to determine the role of this variant in disease. Therefore, it has been classified as a Variant of Uncertain Significance.